The following is an entry in ClinVar:

NM_001994.3(F13B):c.354C>T (p.Cys118=)

Gene: F13B (coagulation factor XIII B chain; minus strand). Cytogenetic location: 1q31.3.
Variant type: single nucleotide variant.
Coding change: c.354C>T on transcript NM_001994.3 (MANE Select); coding-DNA position 354, C replaced by T.
Protein change: p.Cys118=; no amino-acid change (cysteine 118 retained).
Molecular consequence: synonymous variant.
Genome position (GRCh38, 1-based): chr1:197,061,881, G>A on the plus strand (C>T on the coding strand, the complement: F13B is on the minus strand). VCF-style: chr1-197061881-G-A. GRCh37 (hg19) VCF-style: chr1-197031011-G-A.
Identifiers: ClinVar variation 294587 (VCV000294587.8), dbSNP rs142562955, ClinGen allele CA1308597.

ClinVar aggregate classification (germline): Conflicting classifications of pathogenicity. Review status: criteria provided, conflicting classifications (1 of 4 stars). 4 submissions from 4 submitters: Uncertain significance (2); Likely benign (2). Last evaluated 2025-07-01.

Conditions:
Factor XIII, b subunit, deficiency of. Also called: Factor XIII subunit B deficiency. Identifiers: Orphanet 331, MedGen C2750481, MONDO:0013190, OMIM 613235, HP:0040234.
F13B-related disorder. Also called: F13B-related condition.

Allele frequency attached by ClinVar (database versions not stated): gnomAD exomes 0.00007 and 0.00026; ESP Exome Variant Server 0.00008; 1000 Genomes Project 30x 0.00016; 1000 Genomes Project 0.00020; gnomAD 0.00025 and 0.00026; ExAC 0.00026; TOPMed 0.00035.
gnomAD v4.1: 264 of 1,612,866 alleles (0.016%); highest among the groups gnomAD compares: East Asian, 0.15%; 4 homozygotes.

Submissions (4):

PreventionGenetics, part of Exact Sciences
Classification: Likely benign for F13B-related condition. Last evaluated: 2025-07-01. Review status: criteria provided, single submitter. Criteria: ACMG Guidelines, 2015. Collection method: clinical testing. Allele origin: germline.
Comment: This variant is classified as likely benign based on ACMG/AMP sequence variant interpretation guidelines (Richards et al. 2015 PMID: 25741868, with internal and published modifications).

Blueprint Genetics
Classification: Likely benign. Last evaluated: 2024-11-20. Review status: criteria provided, single submitter. Criteria: ACMG Guidelines, 2015. Collection method: clinical testing. Allele origin: germline.

Illumina Laboratory Services, Illumina
Classification: Uncertain significance for Factor XIII, b subunit, deficiency of. Last evaluated: 2018-01-13. Review status: criteria provided, single submitter. Criteria: ICSL Variant Classification Criteria 13 December 2019. Collection method: clinical testing. Allele origin: germline.

Breakthrough Genomics
Classification: Uncertain significance. Review status: criteria provided, single submitter. Criteria: ACMG Guidelines, 2015. Collection method: not provided. Allele origin: germline. Inheritance: Autosomal recessive inheritance. Affected: yes.